The following is an entry in ClinVar:

ClinVar aggregate classification (germline): Uncertain significance. Review status: criteria provided, multiple submitters, no conflicts (2 of 4 stars). 2 submissions from 2 submitters: Uncertain significance (2). Last evaluated 2025-04-20.

Conditions:
Duane retraction syndrome 3 with or without deafness (DURS3). Also called: Duane syndrome type 3; DUANE RETRACTION SYNDROME 3. Identifiers: Orphanet 233, MedGen C4310752, MONDO:0014880, OMIM 617041.
Multicentric carpo-tarsal osteolysis with or without nephropathy. Also called: Multicentric Carpotarsal Osteolysis with or without Nephropathy; OSTEOLYSIS, HEREDITARY, OF CARPAL BONES WITH OR WITHOUT NEPHROPATHY; Multicentric Osteolysis of Carpal Bones and Nephropathy; Carnevale Canun Mendoza syndrome; MULTICENTRIC OSTEOLYSIS, AUTOSOMAL DOMINANT; MULTICENTRIC CARPOTARSAL OSTEOLYSIS SYNDROME. Identifiers: Orphanet 2774, MedGen C2674705, MONDO:0008152, OMIM 166300.

Allele frequency attached by ClinVar (database versions not stated): gnomAD 0.00001 and 0.00002; gnomAD exomes 0.00001; TOPMed 0.00002.

Submissions (2):

Labcorp Genetics (formerly Invitae), Labcorp
Classification: Uncertain significance. Last evaluated: 2025-04-20. Review status: criteria provided, single submitter. Criteria: Invitae Variant Classification Sherloc (09022015). Collection method: clinical testing. Allele origin: germline.
Comment: This sequence change replaces aspartic acid, which is acidic and polar, with histidine, which is basic and polar, at codon 153 of the MAFB protein (p.Asp153His). This variant is present in population databases (no rsID available, gnomAD 0.01%). This variant has not been reported in the literature in individuals affected with MAFB-related conditions. ClinVar contains an entry for this variant (Variation ID: 1480401). Invitae Evidence Modeling of protein sequence and biophysical properties (such as structural, functional, and spatial information, amino acid conservation, physicochemical variation, residue mobility, and thermodynamic stability) indicates that this missense variant is not expected to disrupt MAFB protein function with a negative predictive value of 95%. In summary, the available evidence is currently insufficient to determine the role of this variant in disease. Therefore, it has been classified as a Variant of Uncertain Significance.

Fulgent Genetics
Classification: Uncertain significance for Multicentric carpo-tarsal osteolysis with or without nephropathy; Duane retraction syndrome 3 with or without deafness. Last evaluated: 2021-12-28. Review status: criteria provided, single submitter. Criteria: ACMG Guidelines, 2015. Collection method: clinical testing. Allele origin: unknown.

NM_005461.5(MAFB):c.457G>C (p.Asp153His)

Gene: MAFB (MAF bZIP transcription factor B; minus strand). Cytogenetic location: 20q12.
Variant type: single nucleotide variant.
Coding change: c.457G>C on transcript NM_005461.5 (MANE Select); coding-DNA position 457, G replaced by C.
Protein change: p.Asp153His; replaces aspartic acid 153 with histidine.
Molecular consequence: missense variant.
Genome position (GRCh38, 1-based): chr20:40,688,394, C>G on the plus strand (G>C on the coding strand, the complement: MAFB is on the minus strand). VCF-style: chr20-40688394-C-G. GRCh37 (hg19) VCF-style: chr20-39317034-C-G.
Other names: short protein forms D153H.
Identifiers: ClinVar variation 1480401 (VCV001480401.9), dbSNP rs893483748, ClinGen allele CA314859162.
Genomic context (GRCh38, chr20:40,688,394, plus strand): 5'-GCGGCGGCGACGCTTGGTGATGATGGTGATGGTGCGGGTGAGCGTGCGGGCCCAGCTCGT[C>G]GTGGGCCACGCCGGCGCCCGGGTACGCGTGGTGCGGGTGAGGGTGGTGGTGATGGTGGTG-3'
Protein context (NP_005452.2, residues 143-163): HAYPGAGVAH[Asp153His]ELGPHAHPHH